The following is an entry in ClinVar:

NM_001128178.3(NPHP1):c.771+101C>G

Gene: NPHP1 (nephrocystin 1; minus strand). Cytogenetic location: 2q13.
Variant type: single nucleotide variant.
Coding change: c.771+101C>G on transcript NM_001128178.3 (MANE Select); 101 bases into the intron after coding-DNA position 771, C replaced by G.
Molecular consequence: intron variant. On other transcripts: missense variant (2).
Genome position (GRCh38, 1-based): chr2:110,164,587, G>C on the plus strand (C>G on the coding strand, the complement: NPHP1 is on the minus strand). VCF-style: chr2-110164587-G-C. GRCh37 (hg19) VCF-style: chr2-110922164-G-C.
Other names: c.872C>G, p.Thr291Arg (NM_000272.5, NM_207181.4); c.585+101C>G (NM_001128179.3); c.771+101C>G (NM_001374256.1, NM_001374257.1); short protein forms T291R.
Identifiers: ClinVar variation 1371725 (VCV001371725.8), dbSNP rs1352920059, ClinGen allele CA348091735.

ClinVar aggregate classification (germline): Uncertain significance (1 of 4 stars; one submission).

Conditions:
Nephronophthisis. Also called: Juvenile Nephronophthisis. Identifiers: Orphanet 655, MedGen C0687120, MONDO:0019005, HP:0000090.

Allele frequency attached by ClinVar (database versions not stated): gnomAD exomes below 0.00001; TOPMed 0.00002.
gnomAD v4.1: 1 of 1,607,930 alleles (0.000062%); highest among the groups gnomAD compares: African/African-American, 0.0013%; no homozygotes.

Submission:

Labcorp Genetics (formerly Invitae), Labcorp
Classification: Uncertain significance for Nephronophthisis. Last evaluated: 2025-04-17. Review status: criteria provided, single submitter. Criteria: Invitae Variant Classification Sherloc (09022015). Collection method: clinical testing. Allele origin: germline.
Comment: This sequence change replaces threonine, which is neutral and polar, with arginine, which is basic and polar, at codon 291 of the NPHP1 protein (p.Thr291Arg). This variant is present in population databases (no rsID available, gnomAD 0.007%). This variant has not been reported in the literature in individuals affected with NPHP1-related conditions. ClinVar contains an entry for this variant (Variation ID: 1371725). An algorithm developed to predict the effect of missense changes on protein structure and function (PolyPhen-2) suggests that this variant is likely to be tolerated. In summary, the available evidence is currently insufficient to determine the role of this variant in disease. Therefore, it has been classified as a Variant of Uncertain Significance.